The following is an entry in ClinVar:

NM_001042492.3(NF1):c.3830G>C (p.Gly1277Ala)

Gene: NF1 (neurofibromin 1; plus strand). Cytogenetic location: 17q11.2.
Variant type: single nucleotide variant.
Coding change: c.3830G>C on transcript NM_001042492.3 (MANE Select); coding-DNA position 3830, G replaced by C.
Protein change: p.Gly1277Ala; replaces glycine 1277 with alanine.
Molecular consequence: missense variant.
Genome position (GRCh38, 1-based): chr17:31,235,732, G>C. VCF-style: chr17-31235732-G-C. GRCh37 (hg19) VCF-style: chr17-29562750-G-C.
Other names: c.3830G>C, p.Gly1277Ala (NM_000267.4); short protein forms G1277A.
Identifiers: ClinVar variation 1735351 (VCV001735351.4), dbSNP rs1555615480, ClinGen allele CA398992769.

ClinVar aggregate classification (germline): Uncertain significance. Review status: criteria provided, multiple submitters, no conflicts (2 of 4 stars). 2 submissions from 2 submitters: Uncertain significance (2). Last evaluated 2025-05-29.

Conditions:
Cardiovascular phenotype. Identifiers: MedGen CN230736.
Hereditary cancer-predisposing syndrome. Also called: Neoplastic Syndromes, Hereditary; Tumor predisposition; Hereditary Cancer Syndrome; Hereditary neoplastic syndrome. Identifiers: Orphanet 140162, MedGen C0027672, MeSH D009386, MONDO:0015356.
Neurofibromatosis, type 1 (NF1). Also called: VON RECKLINGHAUSEN DISEASE; NEUROFIBROMATOSIS, TYPE I, SOMATIC; Neurofibromatosis, type I; Peripheral type neurofibromatosis. Identifiers: Orphanet 636, MedGen C0027831, MONDO:0018975, OMIM 162200. Disease mechanism: loss of function.

Submissions (2):

Ambry Genetics
Classification: Uncertain significance for Cardiovascular phenotype; Hereditary cancer-predisposing syndrome. Last evaluated: 2025-05-29. Review status: criteria provided, single submitter. Criteria: Ambry Variant Classification Scheme 2023. Collection method: clinical testing. Allele origin: germline.
Comment: The p.G1277A variant (also known as c.3830G>C), located in coding exon 28 of the NF1 gene, results from a G to C substitution at nucleotide position 3830. The glycine at codon 1277 is replaced by alanine, an amino acid with similar properties. This amino acid position is highly conserved in available vertebrate species. In addition, this alteration is predicted to be deleterious by in silico analysis. Based on the available evidence, the clinical significance of this variant remains unclear.

Labcorp Genetics (formerly Invitae), Labcorp
Classification: Uncertain significance for Neurofibromatosis, type 1. Last evaluated: 2025-02-17. Review status: criteria provided, single submitter. Criteria: Invitae Variant Classification Sherloc (09022015). Collection method: clinical testing. Allele origin: germline.
Comment: This sequence change replaces glycine, which is neutral and non-polar, with alanine, which is neutral and non-polar, at codon 1277 of the NF1 protein (p.Gly1277Ala). This variant is not present in population databases (gnomAD no frequency). This variant has not been reported in the literature in individuals affected with NF1-related conditions. ClinVar contains an entry for this variant (Variation ID: 1735351). Invitae Evidence Modeling of protein sequence and biophysical properties (such as structural, functional, and spatial information, amino acid conservation, physicochemical variation, residue mobility, and thermodynamic stability) has been performed for this missense variant. However, the output from this modeling did not meet the statistical confidence thresholds required to predict the impact of this variant on NF1 protein function. Experimental studies have shown that this missense change affects NF1 function (PMID: 12787671). In summary, the available evidence is currently insufficient to determine the role of this variant in disease. Therefore, it has been classified as a Variant of Uncertain Significance.

Literature cited by the submitters: PubMed 12787671 (cited by Labcorp Genetics (formerly Invitae), Labcorp).